The following is an entry in ClinVar:

ClinVar aggregate classification (germline): Uncertain significance (1 of 4 stars; one submission).

Allele frequency attached by ClinVar (database versions not stated): gnomAD exomes below 0.00001; gnomAD 0.00001.
gnomAD v4.1: 22 of 1,592,144 alleles (0.0014%); highest among the groups gnomAD compares: Middle Eastern, 0.05%; no homozygotes.

Submission:

Labcorp Genetics (formerly Invitae), Labcorp
Classification: Uncertain significance. Last evaluated: 2024-01-15. Review status: criteria provided, single submitter. Criteria: Invitae Variant Classification Sherloc (09022015). Collection method: clinical testing. Allele origin: germline.
Comment: This sequence change replaces serine, which is neutral and polar, with asparagine, which is neutral and polar, at codon 2 of the SLC9A3R1 protein (p.Ser2Asn). This variant is present in population databases (no rsID available, gnomAD 0.006%). This variant has not been reported in the literature in individuals affected with SLC9A3R1-related conditions. An algorithm developed to predict the effect of missense changes on protein structure and function (PolyPhen-2) suggests that this variant is likely to be tolerated. In summary, the available evidence is currently insufficient to determine the role of this variant in disease. Therefore, it has been classified as a Variant of Uncertain Significance.

NM_004252.5(NHERF1):c.5G>A (p.Ser2Asn)

Genes: NHERF1 (NHERF family PDZ scaffold protein 1; plus strand), SLC9A3R1-AS1 (SLC9A3R1 antisense RNA 1; minus strand), LOC130061617 (ATAC-STARR-seq lymphoblastoid silent region 8939; plus strand). Cytogenetic location: 17q25.1.
Variant type: single nucleotide variant.
Coding change: c.5G>A on transcript NM_004252.5 (MANE Select); coding-DNA position 5, G replaced by A.
Protein change: p.Ser2Asn; replaces serine 2 with asparagine.
Molecular consequence: missense variant. On other transcripts: non-coding transcript variant (1).
Genome position (GRCh38, 1-based): chr17:74,748,851, G>A. VCF-style: chr17-74748851-G-A. GRCh37 (hg19) VCF-style: chr17-72744990-G-A.
Other names: short protein forms S2N.
Identifiers: ClinVar variation 2752422 (VCV002752422.3), dbSNP rs1324850593, ClinGen allele CA400935767.